The following is an entry in ClinVar:

ClinVar aggregate classification (germline): Likely benign. Review status: criteria provided, multiple submitters, no conflicts (2 of 4 stars). 2 submissions from 2 submitters: Likely benign (2). Last evaluated 2023-01-05.

Allele frequency attached by ClinVar (database versions not stated): TOPMed 0.00001.

Submissions (2):

Labcorp Genetics (formerly Invitae), Labcorp
Classification: Likely benign. Last evaluated: 2023-01-05. Review status: criteria provided, single submitter. Criteria: Invitae Variant Classification Sherloc (09022015). Collection method: clinical testing. Allele origin: germline.

CeGaT Center for Human Genetics Tuebingen
Classification: Likely benign. Last evaluated: 2022-11-01. Review status: criteria provided, single submitter. Criteria: CeGaT Center For Human Genetics Tuebingen Variant Classification Criteria Version 2. Collection method: clinical testing. Allele origin: germline. Affected: yes. Observed: 1 variant allele.
Comment: LAMC2: BP4, BP7

NM_005562.3(LAMC2):c.2424G>A (p.Pro808=)

Gene: LAMC2 (laminin subunit gamma 2; plus strand). Cytogenetic location: 1q25.3.
Variant type: single nucleotide variant.
Coding change: c.2424G>A on transcript NM_005562.3 (MANE Select); coding-DNA position 2424, G replaced by A.
Protein change: p.Pro808=; no amino-acid change (proline 808 retained).
Molecular consequence: synonymous variant.
Genome position (GRCh38, 1-based): chr1:183,235,698, G>A. VCF-style: chr1-183235698-G-A. GRCh37 (hg19) VCF-style: chr1-183204833-G-A.
Other names: c.2424G>A, p.Pro808= (NM_018891.3).
Identifiers: ClinVar variation 2181800 (VCV002181800.28), dbSNP rs1439094815, ClinGen allele CA422120339.